The following is an entry in ClinVar:

ClinVar aggregate classification (germline): Likely benign. Review status: criteria provided, single submitter (1 of 4 stars). 2 submissions from 2 submitters: Likely benign (1). 1 of the submissions does not count toward it. Last evaluated 2025-06-20.

Conditions:
VIPAS39-related disorder. Also called: VIPAS39-related condition.

Allele frequency attached by ClinVar (database versions not stated): ExAC 0.00001; gnomAD exomes 0.00007.
gnomAD v4.1: 108 of 1,613,812 alleles (0.0067%); highest among the groups gnomAD compares: Non-Finnish European, 0.0083%; no homozygotes.

Submissions (2):

Labcorp Genetics (formerly Invitae), Labcorp
Classification: Likely benign. Last evaluated: 2025-06-20. Review status: criteria provided, single submitter. Criteria: Invitae Variant Classification Sherloc (09022015). Collection method: clinical testing. Allele origin: germline.

PreventionGenetics, part of Exact Sciences
Classification: Likely benign for VIPAS39-related condition. Last evaluated: 2021-03-29. Review status: no assertion criteria provided. Collection method: clinical testing. Allele origin: germline. Not counted in ClinVar's aggregate classification.
Comment: This variant is classified as likely benign based on ACMG/AMP sequence variant interpretation guidelines (Richards et al. 2015 PMID: 25741868, with internal and published modifications).

NM_001193315.2(VIPAS39):c.1008A>C (p.Thr336=)

Gene: VIPAS39 (VPS33B interacting protein, apical-basolateral polarity regulator, spe-39 homolog; minus strand). Cytogenetic location: 14q24.3.
Variant type: single nucleotide variant.
Coding change: c.1008A>C on transcript NM_001193315.2 (MANE Select); coding-DNA position 1008, A replaced by C.
Protein change: p.Thr336=; no amino-acid change (threonine 336 retained).
Molecular consequence: synonymous variant. On other transcripts: non-coding transcript variant (1), intron variant (2).
Genome position (GRCh38, 1-based): chr14:77,435,298, T>G on the plus strand (A>C on the coding strand, the complement: VIPAS39 is on the minus strand). VCF-style: chr14-77435298-T-G. GRCh37 (hg19) VCF-style: chr14-77901641-T-G.
Other names: c.1008A>C (NM_022067.3); c.1008A>C, p.Thr336= (NM_001193314.2, NM_001193317.2, NM_001400326.1 and 5 more transcripts); c.861A>C, p.Thr287= (NM_001193316.2, NM_001400324.1, NM_001400325.1); c.975A>C, p.Thr325= (NM_001400327.1); c.915A>C, p.Thr305= (NM_001400333.1, NM_001400334.1); c.768A>C, p.Thr256= (NM_001400337.1); c.906A>C, p.Thr302= (NM_001400338.1); c.763-995A>C (NM_001400339.1); and 1 more.
Identifiers: ClinVar variation 2166953 (VCV002166953.6), dbSNP rs759290356, ClinGen allele CA7287867.